The following is an entry in ClinVar:

ClinVar aggregate classification (germline): Conflicting classifications of pathogenicity. Review status: criteria provided, conflicting classifications (1 of 4 stars). 3 submissions from 3 submitters: Uncertain significance (2); Likely benign (1). Last evaluated 2025-08-13.

Conditions:
Hypertrophic cardiomyopathy 26. Also called: Cardiomyopathy, familial hypertrophic, 26. Identifiers: Orphanet 75249, MedGen C4310749, MONDO:0014883, OMIM 617047.
Myofibrillar myopathy 5. Also called: FILAMINOPATHY, AUTOSOMAL DOMINANT; Filaminopathy (type). Identifiers: Orphanet 171445, MedGen C1836050, MONDO:0012289, OMIM 609524.
Distal myopathy with posterior leg and anterior hand involvement. Also called: WILLIAMS DISTAL MYOPATHY. Identifiers: Orphanet 63273, MedGen C3279722, MONDO:0013550, OMIM 614065.
Cardiovascular phenotype. Identifiers: MedGen CN230736.

Allele frequency attached by ClinVar (database versions not stated): gnomAD exomes below 0.00001; ExAC 0.00001.
gnomAD v4.1: 1 of 1,614,078 alleles (0.000062%); highest among the groups gnomAD compares: African/African-American, 0.0013%; no homozygotes.

Submissions (3):

Labcorp Genetics (formerly Invitae), Labcorp
Classification: Likely benign for Distal myopathy with posterior leg and anterior hand involvement; Myofibrillar myopathy 5; Hypertrophic cardiomyopathy 26. Last evaluated: 2025-08-13. Review status: criteria provided, single submitter. Criteria: Invitae Variant Classification Sherloc (09022015). Collection method: clinical testing. Allele origin: germline.

GeneDx
Classification: Uncertain significance. Last evaluated: 2024-09-11. Review status: criteria provided, single submitter. Criteria: GeneDx Variant Classification Process June 2021. Collection method: clinical testing. Allele origin: germline. Affected: yes.
Comment: Not observed at significant frequency in large population cohorts (gnomAD); In silico analysis indicates that this missense variant does not alter protein structure/function; Has not been previously published as pathogenic or benign to our knowledge

Ambry Genetics
Classification: Uncertain significance for Cardiovascular phenotype. Last evaluated: 2024-06-21. Review status: criteria provided, single submitter. Criteria: Ambry Variant Classification Scheme 2023. Collection method: clinical testing. Allele origin: germline.
Comment: The p.A375T variant (also known as c.1123G>A), located in coding exon 7 of the FLNC gene, results from a G to A substitution at nucleotide position 1123. The alanine at codon 375 is replaced by threonine, an amino acid with similar properties. This amino acid position is well conserved in available vertebrate species. In addition, this alteration is predicted to be tolerated by in silico analysis. Since supporting evidence is limited at this time, the clinical significance of this alteration remains unclear.

NM_001458.5(FLNC):c.1123G>A (p.Ala375Thr)

Gene: FLNC (filamin C; plus strand). Cytogenetic location: 7q32.1.
Variant type: single nucleotide variant.
Coding change: c.1123G>A on transcript NM_001458.5 (MANE Select); coding-DNA position 1123, G replaced by A.
Protein change: p.Ala375Thr; replaces alanine 375 with threonine.
Molecular consequence: missense variant.
Genome position (GRCh38, 1-based): chr7:128,838,342, G>A. VCF-style: chr7-128838342-G-A. GRCh37 (hg19) VCF-style: chr7-128478396-G-A.
Other names: c.1123G>A, p.Ala375Thr (NM_001127487.2); short protein forms A375T.
Identifiers: ClinVar variation 957626 (VCV000957626.14), dbSNP rs747623981, ClinGen allele CA4474239.
Genomic context (GRCh38, chr7:128,838,342, plus strand): 5'-GCTGGCCAGAACATTGAACGCAGTCCCTTTGAGGTGAACGTGGGCATGGCCCTGGGAGAT[G>A]CCAACAAGGTGTCAGCCCGTGGCCCTGGCCTGGAACCTGTGGGCAATGTGGCCAACAAAC-3'
Protein context (NP_001449.3, residues 365-385): EVNVGMALGD[Ala375Thr]NKVSARGPGL